The following is an entry in ClinVar:

ClinVar aggregate classification (germline): Conflicting classifications of pathogenicity. Review status: criteria provided, conflicting classifications (1 of 4 stars). 3 submissions from 3 submitters: Uncertain significance (2); Likely benign (1). Last evaluated 2025-11-03.

Conditions:
Cardiovascular phenotype. Identifiers: MedGen CN230736.
Long QT syndrome (LQTS). Identifiers: MedGen C0023976, MeSH D008133, MONDO:0002442. Disease mechanism: loss of function. Inheritance: Various modes of inheritance.

Allele frequency attached by ClinVar (database versions not stated): ExAC 0.00001; gnomAD exomes 0.00003; gnomAD 0.00005 and 0.00006; TOPMed 0.00007; ESP Exome Variant Server 0.00008.
gnomAD v4.1: 44 of 1,613,664 alleles (0.0027%); highest among the groups gnomAD compares: African/African-American, 0.015%; no homozygotes.

Submissions (3):

Labcorp Genetics (formerly Invitae), Labcorp
Classification: Uncertain significance for Long QT syndrome. Last evaluated: 2025-11-03. Review status: criteria provided, single submitter. Criteria: Invitae Variant Classification Sherloc (09022015). Collection method: clinical testing. Allele origin: germline.
Comment: This sequence change replaces arginine, which is basic and polar, with tryptophan, which is neutral and slightly polar, at codon 466 of the AKAP9 protein (p.Arg466Trp). This variant is present in population databases (rs373876340, gnomAD 0.02%). This variant has not been reported in the literature in individuals affected with AKAP9-related conditions. ClinVar contains an entry for this variant (Variation ID: 216635). An algorithm developed to predict the effect of missense changes on protein structure and function (PolyPhen-2) suggests that this variant is likely to be disruptive. In summary, the available evidence is currently insufficient to determine the role of this variant in disease. Therefore, it has been classified as a Variant of Uncertain Significance.

CeGaT Center for Human Genetics Tuebingen
Classification: Uncertain significance. Last evaluated: 2024-01-01. Review status: criteria provided, single submitter. Criteria: CeGaT Center For Human Genetics Tuebingen Variant Classification Criteria Version 2. Collection method: clinical testing. Allele origin: germline. Affected: yes. Observed: 1 variant allele.
Comment: AKAP9: PM2, BP4

Ambry Genetics
Classification: Likely benign for Cardiovascular phenotype. Last evaluated: 2023-09-22. Review status: criteria provided, single submitter. Criteria: Ambry Variant Classification Scheme 2023. Collection method: clinical testing. Allele origin: germline.

Literature cited by the submitters: PubMed 26272908 (cited by Ambry Genetics); PubMed 30847666 (cited by Ambry Genetics).

NM_005751.5(AKAP9):c.1396C>T (p.Arg466Trp)

Gene: AKAP9 (A-kinase anchoring protein 9; plus strand). Cytogenetic location: 7q21.2.
Variant type: single nucleotide variant.
Coding change: c.1396C>T on transcript NM_005751.5 (MANE Select); coding-DNA position 1396, C replaced by T.
Protein change: p.Arg466Trp; replaces arginine 466 with tryptophan.
Molecular consequence: missense variant.
Genome position (GRCh38, 1-based): chr7:92,001,313, C>T. VCF-style: chr7-92001313-C-T. GRCh37 (hg19) VCF-style: chr7-91630627-C-T.
Other names: c.1396C>T, p.Arg466Trp (NM_147185.3); short protein forms R466W.
Identifiers: ClinVar variation 216635 (VCV000216635.32), dbSNP rs373876340, ClinGen allele CA339149.